The following is an entry in ClinVar:

NM_002894.3(RBBP8):c.2620C>G (p.Pro874Ala)

Gene: RBBP8 (RB binding protein 8, endonuclease; plus strand). Cytogenetic location: 18q11.2.
Variant type: single nucleotide variant.
Coding change: c.2620C>G on transcript NM_002894.3 (MANE Select); coding-DNA position 2620, C replaced by G.
Protein change: p.Pro874Ala; replaces proline 874 with alanine.
Molecular consequence: missense variant.
Genome position (GRCh38, 1-based): chr18:23,026,166, C>G. VCF-style: chr18-23026166-C-G. GRCh37 (hg19) VCF-style: chr18-20606129-C-G.
Other names: c.2620C>G, p.Pro874Ala (NM_203291.2); c.2523C>G, p.Ile841Met (NM_203292.2); short protein forms I841M, P874A.
Identifiers: ClinVar variation 1449482 (VCV001449482.5), dbSNP rs376801395, ClinGen allele CA8910426.

ClinVar aggregate classification (germline): Uncertain significance (1 of 4 stars; one submission).

Allele frequency attached by ClinVar (database versions not stated): gnomAD 0.00001 and 0.00003; TOPMed 0.00003; gnomAD exomes 0.00004 and 0.00005; ExAC 0.00007; ESP Exome Variant Server 0.00008; 1000 Genomes Project 30x 0.00016; 1000 Genomes Project 0.00020.
gnomAD v4.1: 60 of 1,613,578 alleles (0.0037%); highest among the groups gnomAD compares: Middle Eastern, 0.033%; no homozygotes.

Submission:

Labcorp Genetics (formerly Invitae), Labcorp
Classification: Uncertain significance. Last evaluated: 2022-07-19. Review status: criteria provided, single submitter. Criteria: Invitae Variant Classification Sherloc (09022015). Collection method: clinical testing. Allele origin: germline.
Comment: In summary, the available evidence is currently insufficient to determine the role of this variant in disease. Therefore, it has been classified as a Variant of Uncertain Significance. Experimental studies have shown that this missense change does not substantially affect RBBP8 function (PMID: 32379725). Algorithms developed to predict the effect of missense changes on protein structure and function are either unavailable or do not agree on the potential impact of this missense change (SIFT: "Tolerated"; PolyPhen-2: "Possibly Damaging"; Align-GVGD: "Class C0"). ClinVar contains an entry for this variant (Variation ID: 1449482). This variant has not been reported in the literature in individuals affected with RBBP8-related conditions. This variant is present in population databases (rs376801395, gnomAD 0.01%). This sequence change replaces proline, which is neutral and non-polar, with alanine, which is neutral and non-polar, at codon 874 of the RBBP8 protein (p.Pro874Ala).

Literature cited by the submitters: PubMed 32379725.